The following is an entry in ClinVar:

ClinVar aggregate classification (germline): Pathogenic. Review status: criteria provided, multiple submitters, no conflicts (2 of 4 stars). 3 submissions from 3 submitters: Pathogenic (2). 1 of the submissions does not count toward it. Last evaluated 2022-10-19.

Conditions:
Hereditary cancer-predisposing syndrome. Also called: Hereditary Cancer Syndrome; Hereditary neoplastic syndrome; Neoplastic Syndromes, Hereditary; Tumor predisposition. Identifiers: Orphanet 140162, MedGen C0027672, MeSH D009386, MONDO:0015356.
Familial adenomatous polyposis 1 (FAP1). Also called: FAMILIAL ADENOMATOUS POLYPOSIS 1, ATTENUATED; POLYPOSIS, ADENOMATOUS INTESTINAL. Identifiers: MedGen C2713442, MONDO:0021056, OMIM 175100. Disease mechanism: loss of function.

Submissions (3):

Ambry Genetics
Classification: Pathogenic for Hereditary cancer-predisposing syndrome. Last evaluated: 2022-10-19. Review status: criteria provided, single submitter. Criteria: Ambry Variant Classification Scheme 2023. Collection method: clinical testing. Allele origin: germline.
Comment: The p.Q349* pathogenic mutation (also known as c.1045C>T), located in coding exon 9 of the APC gene, results from a C to T substitution at nucleotide position 1045. This changes the amino acid from a glutamine to a stop codon within coding exon 9. This alteration has been observed in at least one individual with a personal and/or family history that is consistent with APC-related disease (Ambry internal data). This variant is considered to be rare based on population cohorts in the Genome Aggregation Database (gnomAD). This alteration is expected to result in loss of function by premature protein truncation or nonsense-mediated mRNA decay. As such, this alteration is interpreted as a disease-causing mutation.

Labcorp Genetics (formerly Invitae), Labcorp
Classification: Pathogenic for Familial adenomatous polyposis 1. Last evaluated: 2021-08-12. Review status: criteria provided, single submitter. Criteria: Invitae Variant Classification Sherloc (09022015). Collection method: clinical testing. Allele origin: germline.
Comment: For these reasons, this variant has been classified as Pathogenic. ClinVar contains an entry for this variant (Variation ID: 217918). This variant has not been reported in the literature in individuals affected with APC-related conditions. This variant is not present in population databases (ExAC no frequency). This sequence change creates a premature translational stop signal (p.Gln349*) in the APC gene. It is expected to result in an absent or disrupted protein product. Loss-of-function variants in APC are known to be pathogenic (PMID: 17963004, 20685668).

Mayo Clinic Laboratories, Mayo Clinic
Classification: Likely pathogenic. Review status: no assertion criteria provided. Collection method: research. Allele origin: unknown. Observed: 1 variant allele. Not counted in ClinVar's aggregate classification.

Literature cited by the submitters: PubMed 17963004 (cited by Labcorp Genetics (formerly Invitae), Labcorp); PubMed 20685668 (cited by Labcorp Genetics (formerly Invitae), Labcorp).

NM_000038.6(APC):c.1045C>T (p.Gln349Ter)

Gene: APC (APC regulator of Wnt signaling pathway; plus strand). Cytogenetic location: 5q22.2.
Variant type: single nucleotide variant.
Coding change: c.1045C>T on transcript NM_000038.6 (MANE Select); coding-DNA position 1045, C replaced by T.
Protein change: p.Gln349Ter; replaces glutamine 349 with a stop codon.
Molecular consequence: nonsense. On other transcripts: intron variant (4).
Genome position (GRCh38, 1-based): chr5:112,819,077, C>T. VCF-style: chr5-112819077-C-T. GRCh37 (hg19) VCF-style: chr5-112154774-C-T.
Other names: c.1045C>T, p.Gln349Ter (NM_001127510.3, NM_001354895.2, NM_001354896.2); c.991C>T, p.Gln331Ter (NM_001127511.3); c.1075C>T, p.Gln359Ter (NM_001354897.2); c.970C>T, p.Gln324Ter (NM_001354898.2); c.961C>T, p.Gln321Ter (NM_001354899.2); c.868C>T, p.Gln290Ter (NM_001354900.2, NM_001354901.2); c.196C>T, p.Gln66Ter (NM_001354906.2); c.964-192C>T (NM_001354902.2); and 3 more; short protein forms Q331*, Q349*, Q359*, Q66*, Q290*, Q321*, Q324*.
Identifiers: ClinVar variation 217918 (VCV000217918.12), dbSNP rs863225307, ClinGen allele CA279782.